The following is an entry in ClinVar:

ClinVar aggregate classification (germline): Uncertain significance (1 of 4 stars; one submission).

Submission:

Labcorp Genetics (formerly Invitae), Labcorp
Classification: Uncertain significance. Last evaluated: 2022-09-27. Review status: criteria provided, single submitter. Criteria: Invitae Variant Classification Sherloc (09022015). Collection method: clinical testing. Allele origin: germline.
Comment: In summary, the available evidence is currently insufficient to determine the role of this variant in disease. Therefore, it has been classified as a Variant of Uncertain Significance. Algorithms developed to predict the effect of missense changes on protein structure and function (SIFT, PolyPhen-2, Align-GVGD) all suggest that this variant is likely to be disruptive. ClinVar contains an entry for this variant (Variation ID: 1508774). This variant has not been reported in the literature in individuals affected with ZNF408-related conditions. This variant is not present in population databases (gnomAD no frequency). This sequence change replaces aspartic acid, which is acidic and polar, with tyrosine, which is neutral and polar, at codon 415 of the ZNF408 protein (p.Asp415Tyr).

NM_024741.3(ZNF408):c.1243G>T (p.Asp415Tyr)

Gene: ZNF408 (zinc finger protein 408; plus strand). Cytogenetic location: 11p11.2.
Variant type: single nucleotide variant.
Coding change: c.1243G>T on transcript NM_024741.3 (MANE Select); coding-DNA position 1243, G replaced by T.
Protein change: p.Asp415Tyr; replaces aspartic acid 415 with tyrosine.
Molecular consequence: missense variant.
Genome position (GRCh38, 1-based): chr11:46,704,943, G>T. VCF-style: chr11-46704943-G-T. GRCh37 (hg19) VCF-style: chr11-46726493-G-T.
Other names: c.1219G>T, p.Asp407Tyr (NM_001184751.2); short protein forms D407Y, D415Y.
Identifiers: ClinVar variation 1508774 (VCV001508774.8), dbSNP rs769452895, ClinGen allele CA380255451.